The following is an entry in ClinVar:

ClinVar aggregate classification (germline): Conflicting classifications of pathogenicity. Review status: criteria provided, conflicting classifications (1 of 4 stars). 4 submissions from 4 submitters: Uncertain significance (2); Likely benign (2). Last evaluated 2026-01-23.

Conditions:
Cardiovascular phenotype. Identifiers: MedGen CN230736.
Brugada syndrome. Also called: Sudden Unexplained Death Syndrome; Sudden Unexplained Nocturnal Death Syndrome (SUNDS); Sudden unexplained nocturnal death syndrome; Sudden unexpected nocturnal death syndrome. Identifiers: Orphanet 130, MedGen C1142166, MONDO:0015263.

Allele frequency attached by ClinVar (database versions not stated): gnomAD exomes 0.00004 and 0.00007; ExAC 0.00007; 1000 Genomes Project 30x 0.00016; gnomAD 0.00018 and 0.00021; 1000 Genomes Project 0.00020; TOPMed 0.00028; ESP Exome Variant Server 0.00031.
gnomAD v4.1: 83 of 1,614,110 alleles (0.0051%); highest among the groups gnomAD compares: African/African-American, 0.069%; no homozygotes.

Submissions (4):

Labcorp Genetics (formerly Invitae), Labcorp
Classification: Likely benign for Brugada syndrome. Last evaluated: 2026-01-23. Review status: criteria provided, single submitter. Criteria: Invitae Variant Classification Sherloc (09022015). Collection method: clinical testing. Allele origin: germline.

GeneDx
Classification: Uncertain significance. Last evaluated: 2025-04-23. Review status: criteria provided, single submitter. Criteria: GeneDx Variant Classification Process June 2021. Collection method: clinical testing. Allele origin: germline. Affected: yes.
Comment: Functional studies suggest this variant affects sodium channel function (PMID: 31195250); In silico analysis indicates that this missense variant does not alter protein structure/function; This variant is associated with the following publications: (PMID: 31195250)

Mayo Clinic Laboratories, Mayo Clinic
Classification: Uncertain significance. Last evaluated: 2024-01-31. Review status: criteria provided, single submitter. Criteria: ACMG Guidelines, 2015. Collection method: clinical testing. Allele origin: germline. Observed: 1 variant allele.
Comment: BS2

Ambry Genetics
Classification: Likely benign for Cardiovascular phenotype. Last evaluated: 2019-11-19. Review status: criteria provided, single submitter. Criteria: Ambry Variant Classification Scheme 2023. Collection method: clinical testing. Allele origin: germline.

Literature cited by the submitters: PubMed 31195250 (cited by Mayo Clinic Laboratories, Mayo Clinic and Ambry Genetics).

NM_006514.4(SCN10A):c.4552G>A (p.Val1518Ile)

Gene: SCN10A (sodium voltage-gated channel alpha subunit 10; minus strand). Cytogenetic location: 3p22.2.
Variant type: single nucleotide variant.
Coding change: c.4552G>A on transcript NM_006514.4 (MANE Select); coding-DNA position 4552, G replaced by A.
Protein change: p.Val1518Ile; replaces valine 1518 with isoleucine.
Molecular consequence: missense variant.
Genome position (GRCh38, 1-based): chr3:38,701,944, C>T on the plus strand (G>A on the coding strand, the complement: SCN10A is on the minus strand). VCF-style: chr3-38701944-C-T. GRCh37 (hg19) VCF-style: chr3-38743435-C-T.
Other names: p.Val1518Ile; c.4549G>A, p.Val1517Ile (NM_001293306.2); c.4258G>A, p.Val1420Ile (NM_001293307.2); short protein forms V1518I, V1420I, V1517I.
Identifiers: ClinVar variation 532075 (VCV000532075.16), dbSNP rs202040659, ClinGen allele CA2319875.
Genomic context (GRCh38, chr3:38,701,944, plus strand): 5'-CATTTGTGAAGTAGTACTGCCTCAAAGCGAACATCTTCATGACACATTCGCCTGTGAAGA[C>T]GGCCACAAAGAACTGGTTGATTTTGCCCAGAATTTTCGTCTTTTCTTCACTTTGGTCATC-3'
Protein context (NP_006505.4, residues 1508-1528): LGKINQFFVA[Val1518Ile]FTGECVMKMF